The following is an entry in ClinVar:

NM_201525.4(ADGRG1):c.64+5del

Gene: ADGRG1 (adhesion G protein-coupled receptor G1; plus strand). Cytogenetic location: 16q21.
Variant type: Deletion.
Coding change: c.64+5del on transcript NM_201525.4 (MANE Select); 5 bases into the intron after coding-DNA position 64, one base deleted (G; older notation c.64+5delG).
Molecular consequence: intron variant.
Genome position (GRCh38, 1-based): chr16:57,650,356, G deleted; the last of 2 consecutive G bases (chr16:57,650,355-57,650,356); deleting either gives the same sequence. VCF-style (leftmost placement, unchanged base first): chr16-57650354-AG-A. GRCh37 (hg19) VCF-style: chr16-57684266-AG-A.
Other names: c.64+5del (NM_001370440.1, NM_001370428.1, NM_001370436.1 and 20 more transcripts); c.-419+5del (NM_001370451.1, NM_001290143.2, NM_001290144.2); c.-503+5del (NM_001370453.1); c.-414-891del (NM_001370454.1).
Identifiers: ClinVar variation 1468218 (VCV001468218.6), dbSNP rs2148184914, ClinGen allele CA2573152459.

ClinVar aggregate classification (germline): Uncertain significance (1 of 4 stars; one submission).

Submission:

Labcorp Genetics (formerly Invitae), Labcorp
Classification: Uncertain significance. Last evaluated: 2022-08-09. Review status: criteria provided, single submitter. Criteria: Invitae Variant Classification Sherloc (09022015). Collection method: clinical testing. Allele origin: germline.
Comment: In summary, the available evidence is currently insufficient to determine the role of this variant in disease. Therefore, it has been classified as a Variant of Uncertain Significance. Variants that disrupt the consensus splice site are a relatively common cause of aberrant splicing (PMID: 17576681, 9536098). Algorithms developed to predict the effect of sequence changes on RNA splicing suggest that this variant may disrupt the consensus splice site. ClinVar contains an entry for this variant (Variation ID: 1468218). This variant has not been reported in the literature in individuals affected with ADGRG1-related conditions. This variant is not present in population databases (gnomAD no frequency). This sequence change falls in intron 3 of the ADGRG1 gene. It does not directly change the encoded amino acid sequence of the ADGRG1 protein. It affects a nucleotide within the consensus splice site.

Literature cited by the submitters: PubMed 17576681; PubMed 9536098.